The following is an entry in ClinVar:

NM_018230.3(NUP133):c.1478C>T (p.Ser493Leu)

Gene: NUP133 (nucleoporin 133; minus strand). Cytogenetic location: 1q42.13.
Variant type: single nucleotide variant.
Coding change: c.1478C>T on transcript NM_018230.3 (MANE Select); coding-DNA position 1478, C replaced by T.
Protein change: p.Ser493Leu; replaces serine 493 with leucine.
Molecular consequence: missense variant.
Genome position (GRCh38, 1-based): chr1:229,486,393, G>A on the plus strand (C>T on the coding strand, the complement: NUP133 is on the minus strand). VCF-style: chr1-229486393-G-A. GRCh37 (hg19) VCF-style: chr1-229622140-G-A.
Other names: short protein forms S493L.
Identifiers: ClinVar variation 2211329 (VCV002211329.5), dbSNP rs1479167160, ClinGen allele CA345165351.

ClinVar aggregate classification (germline): Uncertain significance. Review status: criteria provided, multiple submitters, no conflicts (2 of 4 stars). 2 submissions from 2 submitters: Uncertain significance (2). Last evaluated 2023-07-25.

Allele frequency attached by ClinVar (database versions not stated): gnomAD exomes below 0.00001; TOPMed below 0.00001.
gnomAD v4.1: 5 of 1,590,842 alleles (0.00031%); highest among the groups gnomAD compares: African/African-American, 0.0014%; no homozygotes.

Submissions (2):

Labcorp Genetics (formerly Invitae), Labcorp
Classification: Uncertain significance. Last evaluated: 2023-07-25. Review status: criteria provided, single submitter. Criteria: Invitae Variant Classification Sherloc (09022015). Collection method: clinical testing. Allele origin: germline.
Comment: In summary, the available evidence is currently insufficient to determine the role of this variant in disease. Therefore, it has been classified as a Variant of Uncertain Significance. An algorithm developed to predict the effect of missense changes on protein structure and function (PolyPhen-2) suggests that this variant is likely to be disruptive. ClinVar contains an entry for this variant (Variation ID: 2211329). This variant has not been reported in the literature in individuals affected with NUP133-related conditions. This variant is not present in population databases (gnomAD no frequency). This sequence change replaces serine, which is neutral and polar, with leucine, which is neutral and non-polar, at codon 493 of the NUP133 protein (p.Ser493Leu).

Ambry Genetics
Classification: Uncertain significance. Last evaluated: 2022-10-27. Review status: criteria provided, single submitter. Criteria: Ambry Variant Classification Scheme 2023. Collection method: clinical testing. Allele origin: germline.